The following is an entry in ClinVar:

ClinVar aggregate classification (germline): Uncertain significance (1 of 4 stars; one submission).

Conditions:
Epidermolysis bullosa simplex 3, localized or generalized intermediate, with BP230 deficiency (EBS3). Also called: Epidermolysis bullosa simplex due to BP230 deficiency; Epidermolysis bullosa simplex, autosomal recessive 2. Identifiers: Orphanet 412181, MedGen C3809470, MONDO:0014180, OMIM 615425.
Hereditary sensory and autonomic neuropathy type 6. Also called: HSAN VI; Neuropathy, hereditary sensory and autonomic, type VI. Identifiers: Orphanet 314381, MedGen C3539003, MONDO:0013839, OMIM 614653.

Allele frequency attached by ClinVar (database versions not stated): gnomAD 0.00001; TOPMed 0.00001.
gnomAD v4.1: 13 of 1,551,626 alleles (0.00084%); highest among the groups gnomAD compares: African/African-American, 0.0014%; no homozygotes.

Submission:

Labcorp Genetics (formerly Invitae), Labcorp
Classification: Uncertain significance for Epidermolysis bullosa simplex 3, localized or generalized intermediate, with BP230 deficiency; Hereditary sensory and autonomic neuropathy type 6. Last evaluated: 2025-07-22. Review status: criteria provided, single submitter. Criteria: Invitae Variant Classification Sherloc (09022015). Collection method: clinical testing. Allele origin: germline.
Comment: The DST gene has multiple clinically relevant transcripts. This variant occurs in alternate transcript NM_015548.4, and corresponds to NM_001723.5:c.*53335G>A in the primary transcript. This sequence change replaces glycine, which is neutral and non-polar, with aspartic acid, which is acidic and polar, at codon 2052 of the DST protein (p.Gly2052Asp). The frequency data for this variant in the population databases is considered unreliable, as metrics indicate poor data quality at this position in the gnomAD database. This variant has not been reported in the literature in individuals affected with DST-related conditions. Experimental studies and prediction algorithms are not available or were not evaluated, and the functional significance of this variant is currently unknown. In summary, the available evidence is currently insufficient to determine the role of this variant in disease. Therefore, it has been classified as a Variant of Uncertain Significance.

NM_001374736.1(DST):c.14024G>A (p.Gly4675Asp)

Gene: DST (dystonin; minus strand). Cytogenetic location: 6p12.1.
Variant type: single nucleotide variant.
Coding change: c.14024G>A on transcript NM_001374736.1 (MANE Select); coding-DNA position 14024, G replaced by A.
Protein change: p.Gly4675Asp; replaces glycine 4675 with aspartic acid.
Molecular consequence: missense variant.
Genome position (GRCh38, 1-based): chr6:56,562,182, C>T on the plus strand (G>A on the coding strand, the complement: DST is on the minus strand). VCF-style: chr6-56562182-C-T. GRCh37 (hg19) VCF-style: chr6-56426980-C-T.
Other names: c.7133G>A, p.Gly2378Asp (NM_001374730.1, NM_001386100.1, NM_183380.4); c.14051G>A, p.Gly4684Asp (NM_001374734.1); c.6155G>A, p.Gly2052Asp (NM_015548.5); c.7667G>A, p.Gly2556Asp (NM_001144769.5); c.7253G>A, p.Gly2418Asp (NM_001144770.2); c.14024G>A, p.Gly4675Asp (NM_001374722.1); c.13391G>A, p.Gly4464Asp (NM_001374729.1); c.6155G>A (NM_015548.4); short protein forms G2052D, G2378D, G2418D, G2556D, G4464D, G4675D, G4684D.
Identifiers: ClinVar variation 1056943 (VCV001056943.9), dbSNP rs748551099, ClinGen allele CA364523265.